The following is an entry in ClinVar:

ClinVar aggregate classification (germline): Uncertain significance (1 of 4 stars; one submission).

Conditions:
Menkes kinky-hair syndrome (MNK). Also called: Copper transport disease; Menkes Disease; Classic Menkes Disease. Identifiers: Orphanet 565, MedGen C0022716, MONDO:0010651, OMIM 309400.
X-linked distal spinal muscular atrophy type 3. Also called: ATP7A-Related Distal Motor Neuropathy; SPINAL MUSCULAR ATROPHY, DISTAL, X-LINKED RECESSIVE; NEURONOPATHY, DISTAL HEREDITARY MOTOR, X-LINKED; NEUROPATHY, DISTAL HEREDITARY MOTOR, X-LINKED. Identifiers: Orphanet 139557, MedGen C1845359, MONDO:0010338, OMIM 300489.
Cutis laxa, X-linked (OHS). Also called: EDS IX; Occipital horn syndrome. Identifiers: Orphanet 198, MedGen C0268353, MONDO:0010572, OMIM 304150.

Submission:

Labcorp Genetics (formerly Invitae), Labcorp
Classification: Uncertain significance for X-linked distal spinal muscular atrophy type 3; Cutis laxa, X-linked; Menkes kinky-hair syndrome. Last evaluated: 2024-06-26. Review status: criteria provided, single submitter. Criteria: Invitae Variant Classification Sherloc (09022015). Collection method: clinical testing. Allele origin: germline.
Comment: This sequence change replaces isoleucine, which is neutral and non-polar, with leucine, which is neutral and non-polar, at codon 1169 of the ATP7A protein (p.Ile1169Leu). This variant is not present in population databases (gnomAD no frequency). This variant has not been reported in the literature in individuals affected with ATP7A-related conditions. Advanced modeling of protein sequence and biophysical properties (such as structural, functional, and spatial information, amino acid conservation, physicochemical variation, residue mobility, and thermodynamic stability) performed at Invitae indicates that this missense variant is not expected to disrupt ATP7A protein function with a negative predictive value of 95%. In summary, the available evidence is currently insufficient to determine the role of this variant in disease. Therefore, it has been classified as a Variant of Uncertain Significance.

NM_000052.7(ATP7A):c.3505A>C (p.Ile1169Leu)

Gene: ATP7A (ATPase copper transporting alpha; plus strand). Cytogenetic location: Xq21.1.
Variant type: single nucleotide variant.
Coding change: c.3505A>C on transcript NM_000052.7 (MANE Select); coding-DNA position 3505, A replaced by C.
Protein change: p.Ile1169Leu; replaces isoleucine 1169 with leucine.
Molecular consequence: missense variant. On other transcripts: non-coding transcript variant (1).
Genome position (GRCh38, 1-based): chrX:78,033,815, A>C. VCF-style: chrX-78033815-A-C. GRCh37 (hg19) VCF-style: chrX-77289313-A-C.
Other names: c.3271A>C, p.Ile1091Leu (NM_001282224.2); short protein forms I1091L, I1169L.
Identifiers: ClinVar variation 3753814 (VCV003753814.2).